The following is an entry in ClinVar:

ClinVar aggregate classification (germline): Uncertain significance (1 of 4 stars; one submission).

Conditions:
Congenital sideroblastic anemia-B-cell immunodeficiency-periodic fever-developmental delay syndrome. Also called: Sideroblastic anemia with B-cell immunodeficiency, periodic fevers, and developmental delay. Identifiers: Orphanet 369861, MedGen C4015172, MONDO:0014487, OMIM 616084.

Allele frequency attached by ClinVar (database versions not stated): gnomAD exomes below 0.00001; TOPMed below 0.00001; gnomAD 0.00001.
gnomAD v4.1: 2 of 1,612,920 alleles (0.00012%); highest among the groups gnomAD compares: African/African-American, 0.0013%; no homozygotes.

Submission:

Labcorp Genetics (formerly Invitae), Labcorp
Classification: Uncertain significance for Congenital sideroblastic anemia-B-cell immunodeficiency-periodic fever-developmental delay syndrome. Last evaluated: 2022-07-26. Review status: criteria provided, single submitter. Criteria: Invitae Variant Classification Sherloc (09022015). Collection method: clinical testing. Allele origin: germline.
Comment: This sequence change replaces proline, which is neutral and non-polar, with leucine, which is neutral and non-polar, at codon 342 of the TRNT1 protein (p.Pro342Leu). This variant is present in population databases (no rsID available, gnomAD 0.0009%). This variant has not been reported in the literature in individuals affected with TRNT1-related conditions. ClinVar contains an entry for this variant (Variation ID: 1355143). Algorithms developed to predict the effect of missense changes on protein structure and function (SIFT, PolyPhen-2, Align-GVGD) all suggest that this variant is likely to be tolerated. In summary, the available evidence is currently insufficient to determine the role of this variant in disease. Therefore, it has been classified as a Variant of Uncertain Significance.

NM_182916.3(TRNT1):c.1025C>T (p.Pro342Leu)

Gene: TRNT1 (tRNA nucleotidyl transferase 1; plus strand). Cytogenetic location: 3p26.2.
Variant type: single nucleotide variant.
Coding change: c.1025C>T on transcript NM_182916.3 (MANE Select); coding-DNA position 1025, C replaced by T.
Protein change: p.Pro342Leu; replaces proline 342 with leucine.
Molecular consequence: missense variant. On other transcripts: non-coding transcript variant (8).
Genome position (GRCh38, 1-based): chr3:3,147,672, C>T. VCF-style: chr3-3147672-C-T. GRCh37 (hg19) VCF-style: chr3-3189356-C-T.
Other names: c.1025C>T, p.Pro342Leu (NM_001367322.1, NM_001367323.1, NM_001367321.1); c.965C>T, p.Pro322Leu (NM_001302946.2); short protein forms P322L, P342L.
Identifiers: ClinVar variation 1355143 (VCV001355143.3), dbSNP rs1307103374, ClinGen allele CA351448288.